The following is an entry in ClinVar:

ClinVar aggregate classification (germline): Benign/Likely benign. Review status: criteria provided, multiple submitters, no conflicts (2 of 4 stars). 4 submissions from 4 submitters: Benign (1); Likely benign (2). 1 of the submissions does not count toward it. Last evaluated 2026-09-01.

Conditions:
MAP1B-related disorder. Also called: MAP1B-related condition.

Allele frequency attached by ClinVar (database versions not stated): ESP Exome Variant Server 0.00038; gnomAD exomes 0.00068 and 0.00179; gnomAD 0.00148 and 0.00173; ExAC 0.00152; TOPMed 0.00241; 1000 Genomes Project 0.00519; 1000 Genomes Project 30x 0.00609.
gnomAD v4.1: 1,296 of 1,614,250 alleles (0.08%); highest among the groups gnomAD compares: Admixed American, 1.1%; 11 homozygotes.

Submissions (4):

CeGaT Center for Human Genetics Tuebingen
Classification: Benign. Last evaluated: 2026-09-01. Review status: criteria provided, single submitter. Criteria: CeGaT Center For Human Genetics Tuebingen Variant Classification Criteria Version 2. Collection method: clinical testing. Allele origin: germline. Affected: yes. Observed: 10 variant alleles.
Comment: MAP1B: BP4, BS1, BS2

Labcorp Genetics (formerly Invitae), Labcorp
Classification: Likely benign. Last evaluated: 2019-12-31. Review status: criteria provided, single submitter. Criteria: Invitae Variant Classification Sherloc (09022015). Collection method: clinical testing. Allele origin: germline.

Breakthrough Genomics
Classification: Likely benign. Review status: criteria provided, single submitter. Criteria: ACMG Guidelines, 2015. Collection method: not provided. Allele origin: germline. Inheritance: Autosomal dominant inheritance. Affected: yes.

PreventionGenetics, part of Exact Sciences
Classification: Benign for MAP1B-related condition. Last evaluated: 2019-02-21. Review status: no assertion criteria provided. Collection method: clinical testing. Allele origin: germline. Not counted in ClinVar's aggregate classification.
Comment: This variant is classified as benign based on ACMG/AMP sequence variant interpretation guidelines (Richards et al. 2015 PMID: 25741868, with internal and published modifications).

NM_005909.5(MAP1B):c.5512T>C (p.Phe1838Leu)

Gene: MAP1B (microtubule associated protein 1B; plus strand). Cytogenetic location: 5q13.2.
Variant type: single nucleotide variant.
Coding change: c.5512T>C on transcript NM_005909.5 (MANE Select); coding-DNA position 5512, T replaced by C.
Protein change: p.Phe1838Leu; replaces phenylalanine 1838 with leucine.
Molecular consequence: missense variant.
Genome position (GRCh38, 1-based): chr5:72,198,867, T>C. VCF-style: chr5-72198867-T-C. GRCh37 (hg19) VCF-style: chr5-71494694-T-C.
Other names: c.5134T>C, p.Phe1712Leu (NM_001324255.2); short protein forms F1838L, F1712L.
Identifiers: ClinVar variation 791395 (VCV000791395.20), dbSNP rs139319889, ClinGen allele CA3299338.